The following is an entry in ClinVar:

ClinVar aggregate classification (germline): Likely pathogenic (0 of 4 stars; one submission).

Conditions:
Diastrophic dysplasia (DTD). Also called: Diastrophic dwarfism. Identifiers: Orphanet 628, MedGen C0220726, MONDO:0009107, OMIM 222600.

Submission:

Juha Muilu Group; Institute for Molecular Medicine Finland (FIMM)
Classification: Likely pathogenic for Diastrophic dysplasia. Review status: no assertion criteria provided. Collection method: not provided. Allele origin: unknown.
Comment: FinDis database variant: This variant was not found or characterized by our laboratory, data were collected from public sources: see reference
ClinVar note: Converted during submission from probable-pathogenic to Likely pathogenic.

NM_000112.4(SLC26A2):c.331G>T (p.Asp111Tyr)

Gene: SLC26A2 (solute carrier family 26 member 2; plus strand). Cytogenetic location: 5q32.
Variant type: single nucleotide variant.
Coding change: c.331G>T on transcript NM_000112.4 (MANE Select); coding-DNA position 331, G replaced by T.
Protein change: p.Asp111Tyr; replaces aspartic acid 111 with tyrosine.
Molecular consequence: missense variant.
Genome position (GRCh38, 1-based): chr5:149,977,983, G>T. VCF-style: chr5-149977983-G-T. GRCh37 (hg19) VCF-style: chr5-149357546-G-T.
Other names: short protein forms D111Y.
Identifiers: ClinVar variation 56022 (VCV000056022.2), dbSNP rs386833503, ClinGen allele CA263260.